The following is an entry in ClinVar:

ClinVar aggregate classification (germline): Pathogenic (1 of 4 stars; one submission).

Submission:

Quest Diagnostics Nichols Institute San Juan Capistrano
Classification: Pathogenic. Last evaluated: 2025-06-05. Review status: criteria provided, single submitter. Criteria: ACMG/ClinGen CNV Guidelines, 2019. Collection method: clinical testing. Allele origin: unknown.
Comment: This recurrent duplication (BP3-BP4) is associated with the 1q21.1 duplication syndrome (OMIM 612475; ISCA-37421), which is characterized by a highly variable phenotype that may include developmental delay, mild intellectual disability, and variable congenital anomalies (Bernier 2016, Buse 2017, Guo 2024). Inheritance from an unaffected or mildly affected parent has been reported. Therefore, this copy number variant is classified as pathogenic, with incomplete penetrance and variable expressivity. References: Bernier et al. Genet Med. 2016 Apr;18(4):341-9. PMID: 26066539 Buse et al. Ital J Pediatr. 2017 Jul 19;43(1):61. PMID: 28724436 Guo et al., GeneReviews [2024 Feb 1]. PMID: 21348049

GRCh37/hg19 1q21.1-21.2(chr1:146496425-147819815)x3

Genes: GJA5 (gap junction protein alpha 5; minus strand), GJA8 (gap junction protein alpha 8; plus strand), GPR89B (G protein-coupled receptor 89B; plus strand), PRKAB2 (protein kinase AMP-activated non-catalytic subunit beta 2; minus strand), ACP6 (acid phosphatase 6, lysophosphatidic; minus strand) and 3 more. Cytogenetic location: 1q21.1-21.2.
Variant type: copy number gain.
Change: copy number 3 (three copies instead of two) of chr1:146,496,425-147,819,815 (1.32 Mb, GRCh37 coordinates, 1-based), cytogenetic band 1q21.1-21.2.
Identifiers: ClinVar variation 980946 (VCV000980946.5).